The following is an entry in ClinVar:

ClinVar aggregate classification (germline): Uncertain significance (1 of 4 stars; one submission).

Allele frequency attached by ClinVar (database versions not stated): TOPMed below 0.00001; gnomAD exomes 0.00002.
gnomAD v4.1: 8 of 1,210,959 alleles (0.00066%); highest among the groups gnomAD compares: Non-Finnish European, 0.00089%; no homozygotes.

Submission:

GeneDx
Classification: Uncertain significance. Last evaluated: 2022-04-19. Review status: criteria provided, single submitter. Criteria: GeneDx Variant Classification Process June 2021. Collection method: clinical testing. Allele origin: germline. Affected: yes.
Comment: Not observed at significant frequency in large population cohorts (gnomAD); In silico analysis supports that this missense variant has a deleterious effect on protein structure/function; In silico analysis supports a deleterious effect on splicing; Has not been previously published as pathogenic or benign to our knowledge

NM_001323289.2(CDKL5):c.703A>G (p.Met235Val)

Gene: CDKL5 (cyclin dependent kinase like 5; plus strand). Cytogenetic location: Xp22.13.
Variant type: single nucleotide variant.
Coding change: c.703A>G on transcript NM_001323289.2 (MANE Select); coding-DNA position 703, A replaced by G.
Protein change: p.Met235Val; replaces methionine 235 with valine.
Molecular consequence: missense variant.
Genome position (GRCh38, 1-based): chrX:18,588,102, A>G. VCF-style: chrX-18588102-A-G. GRCh37 (hg19) VCF-style: chrX-18606222-A-G.
Other names: c.703A>G, p.Met235Val (NM_001037343.2, NM_003159.3); short protein forms M235V.
Identifiers: ClinVar variation 1683801 (VCV001683801.2), dbSNP rs1925703356, ClinGen allele CA412353579.